The following is an entry in ClinVar:

NM_022051.3(EGLN1):c.490C>T (p.Pro164Ser)

Gene: EGLN1 (egl-9 family hypoxia inducible factor 1; minus strand). Cytogenetic location: 1q42.2.
Variant type: single nucleotide variant.
Coding change: c.490C>T on transcript NM_022051.3 (MANE Select); coding-DNA position 490, C replaced by T.
Protein change: p.Pro164Ser; replaces proline 164 with serine.
Molecular consequence: missense variant.
Genome position (GRCh38, 1-based): chr1:231,421,399, G>A on the plus strand (C>T on the coding strand, the complement: EGLN1 is on the minus strand). VCF-style: chr1-231421399-G-A. GRCh37 (hg19) VCF-style: chr1-231557145-G-A.
Other names: c.490C>T, p.Pro164Ser (NM_001377260.1, NM_001377261.1); short protein forms P164S.
Identifiers: ClinVar variation 1744030 (VCV001744030.7), dbSNP rs1407678909, ClinGen allele CA345236799.
Genomic context (GRCh38, chr1:231,421,399, plus strand): 5'-GCCCGTTGGGCCGCAGGCCGCCGCCGGGGCTCAGCGCATCCCCGGGCGTGTTGCTTGGGG[G>A]GTACAGGTTCGCCTTCTCCTGGAACAGCGATGAGCGGGCCGGCGGCTCCTCCTTGCCGGG-3'
Protein context (NP_071334.1, residues 154-174): SLFQEKANLY[Pro164Ser]PSNTPGDALS

ClinVar aggregate classification (germline): Uncertain significance. Review status: criteria provided, multiple submitters, no conflicts (2 of 4 stars). 2 submissions from 2 submitters: Uncertain significance (2). Last evaluated 2025-06-12.

Conditions:
Erythrocytosis, familial, 3 (ECYT3). Identifiers: Orphanet 247511, MedGen C1853286, MONDO:0012353, OMIM 609820.

gnomAD v4.1: 12 of 1,600,582 alleles (0.00075%); highest among the groups gnomAD compares: East Asian, 0.011%; no homozygotes.

Submissions (2):

Ambry Genetics
Classification: Uncertain significance. Last evaluated: 2025-06-12. Review status: criteria provided, single submitter. Criteria: Ambry Variant Classification Scheme 2023. Collection method: clinical testing. Allele origin: germline.

Labcorp Genetics (formerly Invitae), Labcorp
Classification: Uncertain significance for Erythrocytosis, familial, 3. Last evaluated: 2023-04-10. Review status: criteria provided, single submitter. Criteria: Invitae Variant Classification Sherloc (09022015). Collection method: clinical testing. Allele origin: germline.
Comment: An algorithm developed to predict the effect of missense changes on protein structure and function (PolyPhen-2) suggests that this variant is likely to be tolerated. In summary, the available evidence is currently insufficient to determine the role of this variant in disease. Therefore, it has been classified as a Variant of Uncertain Significance. This variant is not present in population databases (gnomAD no frequency). This variant has not been reported in the literature in individuals affected with EGLN1-related conditions. ClinVar contains an entry for this variant (Variation ID: 1744030). This sequence change replaces proline, which is neutral and non-polar, with serine, which is neutral and polar, at codon 164 of the EGLN1 protein (p.Pro164Ser).